The following is an entry in ClinVar:

ClinVar aggregate classification (germline): Pathogenic (1 of 4 stars; one submission).

Submission:

GeneDx
Classification: Pathogenic. Last evaluated: 2016-09-01. Review status: criteria provided, single submitter. Criteria: GeneDx Variant Classification (06012015). Collection method: clinical testing. Allele origin: germline. Affected: yes.
Comment: The c.2070dupT pathogenic variant in the MAGEL2 gene has not been reported previously as a pathogenic variant nor as a benign variant, to our knowledge. The c.2070dupT variant causes a frameshift starting with codon Alanine 691, changes this amino acid to a Cysteine residue, and creates a premature Stop codon at position 22 of the new reading frame, denoted p.Ala691CysfsX22. This variant is predicted to cause loss of normal protein function through protein truncation as the last 559 amino acids of the protein are lost and replaced with 21 incorrect amino acids. The c.2070dupT variant was not observed in approximately 5900 individuals of European and African American ancestry in the NHLBI Exome Sequencing Project, indicating it is not a common benign variant in these populations. We interpret c.2070dupT as a pathogenic variant.

NM_019066.5(MAGEL2):c.2070dup (p.Ala691fs)

Gene: MAGEL2 (MAGE family member L2; minus strand). Cytogenetic location: 15q11.2.
Variant type: Duplication.
Coding change: c.2070dup on transcript NM_019066.5 (MANE Select); coding-DNA position 2070, one base duplicated (T; older notation c.2070dupT).
Protein change: p.Ala691fs; shifts the reading frame from alanine 691.
Molecular consequence: frameshift variant.
Genome position (GRCh38, 1-based): chr15:23,645,673, A duplicated on the plus strand (T on the coding strand, the reverse complement: MAGEL2 is on the minus strand). VCF-style (leftmost placement, unchanged base first): chr15-23645672-C-CA. GRCh37 (hg19) VCF-style: chr15-23890819-C-CA.
Other names: short protein forms A691fs.
Identifiers: ClinVar variation 280815 (VCV000280815.2), dbSNP rs886041955, ClinGen allele CA10603329.
Genomic context (GRCh38, chr15:23,645,672, plus strand): 5'-CGGAGCCCAGGGGAAAATTTGCCGCTGCTACCGGGGGTCCGGGCTGGGCCTGCAAGACTG[C>CA]AGGCGGTGCCTGCCAGGAAGGCTGGAGCGGCAGTGTGGGCACCTCCGCTTGCGGACCCGA-3'